The following is an entry in ClinVar:

NM_001852.4(COL9A2):c.559G>A (p.Gly187Arg)

Gene: COL9A2 (collagen type IX alpha 2 chain; minus strand). Cytogenetic location: 1p34.2.
Variant type: single nucleotide variant.
Coding change: c.559G>A on transcript NM_001852.4 (MANE Select); coding-DNA position 559, G replaced by A.
Protein change: p.Gly187Arg; replaces glycine 187 with arginine.
Molecular consequence: missense variant.
Genome position (GRCh38, 1-based): chr1:40,311,247, C>T on the plus strand (G>A on the coding strand, the complement: COL9A2 is on the minus strand). VCF-style: chr1-40311247-C-T. GRCh37 (hg19) VCF-style: chr1-40776919-C-T.
Other names: short protein forms G187R.
Identifiers: ClinVar variation 3661888 (VCV003661888.2).

ClinVar aggregate classification (germline): Uncertain significance (1 of 4 stars; one submission).

Submission:

Labcorp Genetics (formerly Invitae), Labcorp
Classification: Uncertain significance. Last evaluated: 2024-08-10. Review status: criteria provided, single submitter. Criteria: Invitae Variant Classification Sherloc (09022015). Collection method: clinical testing. Allele origin: germline.
Comment: This sequence change replaces glycine, which is neutral and non-polar, with arginine, which is basic and polar, at codon 187 of the COL9A2 protein (p.Gly187Arg). This variant is not present in population databases (gnomAD no frequency). This variant has not been reported in the literature in individuals affected with COL9A2-related conditions. An algorithm developed to predict the effect of missense changes on protein structure and function (PolyPhen-2) suggests that this variant is likely to be disruptive. In summary, the available evidence is currently insufficient to determine the role of this variant in disease. Therefore, it has been classified as a Variant of Uncertain Significance.